The following is an entry in ClinVar:

ClinVar aggregate classification (germline): Likely pathogenic (1 of 4 stars; one submission).

Conditions:
Fabry disease. Also called: ALPHA-GALACTOSIDASE A DEFICIENCY; ANDERSON-FABRY DISEASE; CERAMIDE TRIHEXOSIDASE DEFICIENCY; GLA DEFICIENCY; HEREDITARY DYSTOPIC LIPIDOSIS; Angiokeratoma corporis diffusum. Identifiers: Orphanet 324, MedGen C0002986, MONDO:0010526, OMIM 301500, HP:0001071. Disease mechanism: Fabry disease is due to inactivating mutations in the X-linked GLA gene resulting in deficiency of the enzyme Alpha Galactosidase-A., loss of function.

Submission:

Genomenon, Inc
Classification: Likely pathogenic for Fabry disease. Last evaluated: 2026-09-08. Review status: criteria provided, single submitter. Criteria: Genomenon Sequence Variant Interpretation Standards - Updated. Collection method: curation. Allele origin: germline. Affected: yes.
Comment: GLA p.Leu388His (c.1163T>A) is a missense variant that changes the amino acid at codon 388 from Leucine to Histidine. This variant has been observed in at least one proband with clinical features consistent with Fabry disease (PMID:36140787;38002959;34205365). The variant was found to segregate with disease in at least one affected family (PMID:36140787;38002959). Functional or patient cell studies have been reported (PMID:36140787;34205365). It is absent or not present at a significant frequency in gnomAD. In silico models predict that this variant is possibly or probably damaging. In conclusion, we classify GLA p.Leu388His (c.1163T>A) as a likely pathogenic variant.

Literature cited by the submitters: PubMed 36140787; PubMed 38002959; PubMed 34205365.

NM_000169.3(GLA):c.1163T>A (p.Leu388His)

Genes: GLA (galactosidase alpha; minus strand), RPL36A-HNRNPH2 (RPL36A-HNRNPH2 readthrough; plus strand). Cytogenetic location: Xq22.1.
Variant type: single nucleotide variant.
Coding change: c.1163T>A on transcript NM_000169.3 (MANE Select); coding-DNA position 1163, T replaced by A.
Protein change: p.Leu388His; replaces leucine 388 with histidine.
Molecular consequence: missense variant. On other transcripts: non-coding transcript variant (3), intron variant (2).
Genome position (GRCh38, 1-based): chrX:101,397,936, A>T on the plus strand (T>A on the coding strand, the complement: GLA is on the minus strand). VCF-style: chrX-101397936-A-T. GRCh37 (hg19) VCF-style: chrX-100652924-A-T.
Other names: c.1286T>A, p.Leu429His (NM_001406747.1); c.300+2479A>T (NM_001199973.2); c.177+6114A>T (NM_001199974.2); short protein forms L388H, L429H.
Identifiers: ClinVar variation 4087652 (VCV004087652.2).